The following is an entry in ClinVar:

ClinVar aggregate classification (germline): Conflicting classifications of pathogenicity. Review status: criteria provided, conflicting classifications (1 of 4 stars). 8 submissions from 8 submitters: Uncertain significance (1); Likely benign (4). 3 of the submissions do not count toward it. Last evaluated 2026-02-01.

Conditions:
ALG2-related disorder. Also called: ALG2-related condition.
Congenital disorder of glycosylation, type Ii. Also called: ALG2-CDG; CDG Ii; ALG2-congenital disorder of glycosylation. Identifiers: Orphanet 79326, MedGen C1842836, MONDO:0011933, OMIM 607906.
Congenital myasthenic syndrome 14. Also called: Myasthenic syndrome, congenital, 14, with tubular aggregates. Identifiers: Orphanet 353327, Orphanet 590, MedGen C4015597, MONDO:0014543, OMIM 616228.

Allele frequency attached by ClinVar (database versions not stated): ExAC 0.00060; gnomAD 0.00059 and 0.00055; 1000 Genomes Project 30x 0.00047; ESP Exome Variant Server 0.00054; TOPMed 0.00067; gnomAD exomes 0.00072 and 0.00081; 1000 Genomes Project 0.00060.

Submissions (8):

Labcorp Genetics (formerly Invitae), Labcorp
Classification: Likely benign for Congenital disorder of glycosylation, type Ii; Congenital myasthenic syndrome 14. Last evaluated: 2026-02-01. Review status: criteria provided, single submitter. Criteria: Invitae Variant Classification Sherloc (09022015). Collection method: clinical testing. Allele origin: germline.

CeGaT Center for Human Genetics Tuebingen
Classification: Likely benign. Last evaluated: 2024-11-01. Review status: criteria provided, single submitter. Criteria: CeGaT Center For Human Genetics Tuebingen Variant Classification Criteria Version 2. Collection method: clinical testing. Allele origin: germline. Affected: yes. Observed: 2 variant alleles.
Comment: ALG2: BP4

Laboratorio de Genetica e Diagnostico Molecular, Hospital Israelita Albert Einstein
Classification: Likely benign. Last evaluated: 2020-04-08. Review status: criteria provided, single submitter. Criteria: ACMG Guidelines, 2015. Collection method: clinical testing. Allele origin: germline. Affected: yes.
Comment: ACMG classification criteria: BP1, BP4

Fulgent Genetics
Classification: Uncertain significance for Congenital disorder of glycosylation, type Ii; Congenital myasthenic syndrome 14. Last evaluated: 2018-10-31. Review status: criteria provided, single submitter. Criteria: ACMG Guidelines, 2015. Collection method: clinical testing. Allele origin: unknown.

GeneDx
Classification: Likely benign. Last evaluated: 2018-05-02. Review status: criteria provided, single submitter. Criteria: GeneDx Variant Classification Process June 2021. Collection method: clinical testing. Allele origin: germline. Affected: yes.

PreventionGenetics, part of Exact Sciences
Classification: Likely benign for ALG2-related condition. Last evaluated: 2020-03-23. Review status: no assertion criteria provided. Collection method: clinical testing. Allele origin: germline. Not counted in ClinVar's aggregate classification.
Comment: This variant is classified as likely benign based on ACMG/AMP sequence variant interpretation guidelines (Richards et al. 2015 PMID: 25741868, with internal and published modifications).

Clinical Genetics DNA and cytogenetics Diagnostics Lab, Erasmus MC, Erasmus Medical Center
Classification: Likely benign. Review status: no assertion criteria provided. Collection method: clinical testing. Allele origin: germline. Affected: yes. Study: VKGL Data-share Consensus. Not counted in ClinVar's aggregate classification.

Laboratory of Diagnostic Genome Analysis, Leiden University Medical Center (LUMC)
Classification: Likely benign. Review status: no assertion criteria provided. Collection method: clinical testing. Allele origin: germline. Affected: yes. Study: VKGL Data-share Consensus. Not counted in ClinVar's aggregate classification.

NM_033087.4(ALG2):c.475A>G (p.Ile159Val)

Gene: ALG2 (ALG2 alpha-1,3/1,6-mannosyltransferase; minus strand). Cytogenetic location: 9q22.33.
Variant type: single nucleotide variant.
Coding change: c.475A>G on transcript NM_033087.4 (MANE Select); coding-DNA position 475, A replaced by G.
Protein change: p.Ile159Val; replaces isoleucine 159 with valine.
Molecular consequence: missense variant. On other transcripts: non-coding transcript variant (1).
Genome position (GRCh38, 1-based): chr9:99,218,710, T>C on the plus strand (A>G on the coding strand, the complement: ALG2 is on the minus strand). VCF-style: chr9-99218710-T-C. GRCh37 (hg19) VCF-style: chr9-101980992-T-C.
Other names: short protein forms I159V.
Identifiers: ClinVar variation 390397 (VCV000390397.37), dbSNP rs146770430, ClinGen allele CA5156309.